The following is an entry in ClinVar:

ClinVar aggregate classification (germline): Uncertain significance. Review status: criteria provided, multiple submitters, no conflicts (2 of 4 stars). 2 submissions from 2 submitters: Uncertain significance (2). Last evaluated 2020-06-08.

Conditions:
Inborn genetic diseases. Identifiers: MedGen C0950123, MeSH D030342.
ALG3-congenital disorder of glycosylation. Also called: ALG3-CDG; CDG Id; CARBOHYDRATE-DEFICIENT GLYCOPROTEIN SYNDROME, TYPE IV; CDGS, TYPE IV; CONGENITAL DISORDER OF GLYCOSYLATION, TYPE Id. Identifiers: Orphanet 79321, MedGen C1832736, MONDO:0010998, OMIM 601110.

Allele frequency attached by ClinVar (database versions not stated): gnomAD exomes below 0.00001.
gnomAD v4.1: 1 of 1,610,186 alleles (0.000062%); highest among the groups gnomAD compares: Non-Finnish European, 0.000085%; no homozygotes.

Submissions (2):

Baylor Genetics
Classification: Uncertain significance for ALG3-congenital disorder of glycosylation. Last evaluated: 2020-06-08. Review status: criteria provided, single submitter. Criteria: ACMG Guidelines, 2015. Collection method: clinical testing. Allele origin: unknown. Affected: yes.
Comment: This variant was determined to be of uncertain significance according to ACMG Guidelines, 2015 [PMID:25741868].

Ambry Genetics
Classification: Uncertain significance for Inborn genetic diseases. Last evaluated: 2016-04-19. Review status: criteria provided, single submitter. Criteria: Ambry exome assertion method (8-5-2015). Collection method: clinical testing. Allele origin: germline. Affected: yes. Observed: 1 variant allele.

NM_005787.6(ALG3):c.626T>C (p.Met209Thr)

Gene: ALG3 (ALG3 alpha-1,3- mannosyltransferase; minus strand). Cytogenetic location: 3q27.1.
Variant type: single nucleotide variant.
Coding change: c.626T>C on transcript NM_005787.6 (MANE Select); coding-DNA position 626, T replaced by C.
Protein change: p.Met209Thr; replaces methionine 209 with threonine.
Molecular consequence: missense variant. On other transcripts: non-coding transcript variant (2).
Genome position (GRCh38, 1-based): chr3:184,244,701, A>G on the plus strand (T>C on the coding strand, the complement: ALG3 is on the minus strand). VCF-style: chr3-184244701-A-G. GRCh37 (hg19) VCF-style: chr3-183962489-A-G.
Other names: c.482T>C, p.Met161Thr (NM_001006941.2); short protein forms M209T, M161T.
Identifiers: ClinVar variation 521065 (VCV000521065.5), dbSNP rs1553828467, ClinGen allele CA355420605.